The following is an entry in ClinVar:

ClinVar aggregate classification (germline): Uncertain significance. Review status: criteria provided, multiple submitters, no conflicts (2 of 4 stars). 3 submissions from 3 submitters: Uncertain significance (3). Last evaluated 2025-05-28.

Conditions:
Microcephaly and chorioretinopathy 1. Also called: Microcephaly and chorioretinopathy, autosomal recessive, 1. Identifiers: MedGen C3278481, MONDO:0009624, OMIM 251270.
Inborn genetic diseases. Identifiers: MedGen C0950123, MeSH D030342.

Allele frequency attached by ClinVar (database versions not stated): TOPMed below 0.00001; gnomAD 0.00001; ExAC 0.00002; gnomAD exomes 0.00002; 1000 Genomes Project 30x 0.00016; 1000 Genomes Project 0.00020.
gnomAD v4.1: 7 of 1,614,120 alleles (0.00043%); highest among the groups gnomAD compares: African/African-American, 0.004%; no homozygotes.

Submissions (3):

Ambry Genetics
Classification: Uncertain significance for Inborn genetic diseases. Last evaluated: 2025-05-28. Review status: criteria provided, single submitter. Criteria: Ambry Variant Classification Scheme 2023. Collection method: clinical testing. Allele origin: germline.

Labcorp Genetics (formerly Invitae), Labcorp
Classification: Uncertain significance. Last evaluated: 2024-02-24. Review status: criteria provided, single submitter. Criteria: Invitae Variant Classification Sherloc (09022015). Collection method: clinical testing. Allele origin: germline.
Comment: This sequence change replaces proline, which is neutral and non-polar, with leucine, which is neutral and non-polar, at codon 610 of the TUBGCP6 protein (p.Pro610Leu). This variant is present in population databases (rs557715113, gnomAD 0.01%). This variant has not been reported in the literature in individuals affected with TUBGCP6-related conditions. ClinVar contains an entry for this variant (Variation ID: 1028168). An algorithm developed to predict the effect of missense changes on protein structure and function (PolyPhen-2) suggests that this variant is likely to be disruptive. In summary, the available evidence is currently insufficient to determine the role of this variant in disease. Therefore, it has been classified as a Variant of Uncertain Significance.

Baylor Genetics
Classification: Uncertain significance for Microcephaly and chorioretinopathy 1. Last evaluated: 2019-09-05. Review status: criteria provided, single submitter. Criteria: ACMG Guidelines, 2015. Collection method: clinical testing. Allele origin: unknown. Affected: yes.
Comment: This variant was determined to be of uncertain significance according to ACMG Guidelines, 2015 [PMID:25741868].

NM_020461.4(TUBGCP6):c.1829C>T (p.Pro610Leu)

Gene: TUBGCP6 (tubulin gamma complex component 6; minus strand). Cytogenetic location: 22q13.33.
Variant type: single nucleotide variant.
Coding change: c.1829C>T on transcript NM_020461.4 (MANE Select); coding-DNA position 1829, C replaced by T.
Protein change: p.Pro610Leu; replaces proline 610 with leucine.
Molecular consequence: missense variant.
Genome position (GRCh38, 1-based): chr22:50,226,054, G>A on the plus strand (C>T on the coding strand, the complement: TUBGCP6 is on the minus strand). VCF-style: chr22-50226054-G-A. GRCh37 (hg19) VCF-style: chr22-50664483-G-A.
Other names: short protein forms P610L.
Identifiers: ClinVar variation 1028168 (VCV001028168.8), dbSNP rs557715113, ClinGen allele CA10308504.
Genomic context (GRCh38, chr22:50,226,054, plus strand): 5'-ACTCAGCCCCAGGGAAGACCGGCCCCTCTCTTCCCCACACATGAGCCCCTCCTCACCCGG[G>A]GGCAGCAGAGCTTCAGCAGGTTAATGGTCTTTCCGCAGACGTATATGTCGTGGGCAATGT-3'
Protein context (NP_065194.3, residues 600-620): KTINLLKLCC[Pro610Leu]RHYLCWSDVP